The following is an entry in ClinVar:

ClinVar aggregate classification (germline): Uncertain significance (1 of 4 stars; one submission).

Conditions:
Peroxisome biogenesis disorder 3A (Zellweger). Also called: PEROXISOMAL BIOGENESIS DISORDER 3A (ZELLWEGER); Peroxisome biogenesis disorder 3A. Identifiers: Orphanet 912, MedGen C3553929, MONDO:0013927, OMIM 614859.

Allele frequency attached by ClinVar (database versions not stated): gnomAD 0.00001.

Submission:

Labcorp Genetics (formerly Invitae), Labcorp
Classification: Uncertain significance for Peroxisome biogenesis disorder 3A (Zellweger). Last evaluated: 2025-02-03. Review status: criteria provided, single submitter. Criteria: Invitae Variant Classification Sherloc (09022015). Collection method: clinical testing. Allele origin: germline.
Comment: This sequence change replaces methionine, which is neutral and non-polar, with isoleucine, which is neutral and non-polar, at codon 118 of the PEX12 protein (p.Met118Ile). This variant is not present in population databases (gnomAD no frequency). This variant has not been reported in the literature in individuals affected with PEX12-related conditions. ClinVar contains an entry for this variant (Variation ID: 1478539). Invitae Evidence Modeling of protein sequence and biophysical properties (such as structural, functional, and spatial information, amino acid conservation, physicochemical variation, residue mobility, and thermodynamic stability) indicates that this missense variant is not expected to disrupt PEX12 protein function with a negative predictive value of 80%. In summary, the available evidence is currently insufficient to determine the role of this variant in disease. Therefore, it has been classified as a Variant of Uncertain Significance.

NM_000286.3(PEX12):c.354G>A (p.Met118Ile)

Gene: PEX12 (peroxisomal biogenesis factor 12; minus strand). Cytogenetic location: 17q12.
Variant type: single nucleotide variant.
Coding change: c.354G>A on transcript NM_000286.3 (MANE Select); coding-DNA position 354, G replaced by A.
Protein change: p.Met118Ile; replaces methionine 118 with isoleucine.
Molecular consequence: missense variant.
Genome position (GRCh38, 1-based): chr17:35,577,364, C>T on the plus strand (G>A on the coding strand, the complement: PEX12 is on the minus strand). VCF-style: chr17-35577364-C-T. GRCh37 (hg19) VCF-style: chr17-33904383-C-T.
Other names: short protein forms M118I.
Identifiers: ClinVar variation 1478539 (VCV001478539.6), dbSNP rs1025113717, ClinGen allele CA290069512.